The following is an entry in ClinVar:

ClinVar aggregate classification (germline): Uncertain significance. Review status: criteria provided, single submitter (1 of 4 stars). 2 submissions from 2 submitters: Uncertain significance (1). 1 of the submissions does not count toward it. Last evaluated 2016-07-29.

Conditions:
BCKDK-related disorder. Also called: BCKDK-related condition.

Allele frequency attached by ClinVar (database versions not stated): 1000 Genomes Project 30x 0.00062; TOPMed 0.00044; 1000 Genomes Project 0.00060.
gnomAD v4.1: 252 of 1,606,882 alleles (0.016%); highest among the groups gnomAD compares: East Asian, 0.29%; no homozygotes.

Submissions (2):

Eurofins Ntd Llc (ga)
Classification: Uncertain significance. Last evaluated: 2016-07-29. Review status: criteria provided, single submitter. Criteria: EGL Classification Definitions 2015. Collection method: clinical testing. Allele origin: germline. Observed: 1 variant allele, 1 heterozygote.

PreventionGenetics, part of Exact Sciences
Classification: Likely benign for BCKDK-related condition. Last evaluated: 2023-12-27. Review status: no assertion criteria provided. Collection method: clinical testing. Allele origin: germline. Not counted in ClinVar's aggregate classification.
Comment: This variant is classified as likely benign based on ACMG/AMP sequence variant interpretation guidelines (Richards et al. 2015 PMID: 25741868, with internal and published modifications).

NM_005881.4(BCKDK):c.*9C>A

Gene: BCKDK (branched chain keto acid dehydrogenase kinase; plus strand). Cytogenetic location: 16p11.2.
Variant type: single nucleotide variant.
Coding change: c.*9C>A on transcript NM_005881.4 (MANE Select); 9 bases downstream of the stop codon, C replaced by A.
Molecular consequence: 3 prime UTR variant.
Genome position (GRCh38, 1-based): chr16:31,112,274, C>A. VCF-style: chr16-31112274-C-A. GRCh37 (hg19) VCF-style: chr16-31123595-C-A.
Other names: c.*243C>A (NM_001122957.4, NM_001271926.3); c.*9C>A (NM_005881.3).
Identifiers: ClinVar variation 289608 (VCV000289608.7), dbSNP rs199965337, ClinGen allele CA8021817.
Genomic context (GRCh38, chr16:31,112,274, plus strand): 5'-CTACCTGCGGCTCCGCCACATCGATGGCCGGGAGGAAAGCTTCCGGATCTGACCCCACAG[C>A]CTTTGGCCTGCTCACCCGACCAGCCTGGGCCGCATTCCCTGCAGGACCTCCCGGGTCAGG-3'